The following is an entry in ClinVar:

ClinVar aggregate classification (germline): Pathogenic (1 of 4 stars; one submission).

Submission:

Labcorp Genetics (formerly Invitae), Labcorp
Classification: Pathogenic. Last evaluated: 2023-06-15. Review status: criteria provided, single submitter. Criteria: Invitae Variant Classification Sherloc (09022015). Collection method: clinical testing. Allele origin: unknown.
Comment: For these reasons, this variant has been classified as Pathogenic. This variant has not been reported in the literature in individuals affected with NSMCE2-related conditions. A gross deletion of the genomic region encompassing the full coding sequence of the NSMCE2 gene has been identified. Loss-of-function variants in NSMCE2 are known to be pathogenic (PMID: 25105364, 26443207). The boundaries of this event are unknown as they extend beyond the assayed region for this gene and therefore may encompass additional genes.

Literature cited by the submitters: PubMed 25105364; PubMed 26443207.

NC_000008.10:g.(?_124515613)_(126379127_?)del

Genes: ANXA13 (annexin A13; minus strand), FAM91A1 (family with sequence similarity 91 member A1; plus strand), FBXO32 (F-box protein 32; minus strand), FER1L6 (fer-1 like family member 6; plus strand), KLHL38 (kelch like family member 38; minus strand) and 10 more. Cytogenetic location: 8q24.13.
Variant type: Deletion.
Identifiers: ClinVar variation 3245610 (VCV003245610.1).